The following is an entry in ClinVar:

NM_138704.4(NSMCE3):c.194C>T (p.Pro65Leu)

Genes: ENTREP2 (endosomal transmembrane epsin interactor 2; minus strand), NSMCE3 (NSE3 homolog, SMC5-SMC6 complex component; minus strand). Cytogenetic location: 15q13.1.
Variant type: single nucleotide variant.
Coding change: c.194C>T on transcript NM_138704.4 (MANE Select); coding-DNA position 194, C replaced by T.
Protein change: p.Pro65Leu; replaces proline 65 with leucine.
Molecular consequence: missense variant. On other transcripts: intron variant (5).
Genome position (GRCh38, 1-based): chr15:29,269,512, G>A on the plus strand (C>T on the coding strand, the complement: NSMCE3 is on the minus strand). VCF-style: chr15-29269512-G-A. GRCh37 (hg19) VCF-style: chr15-29561716-G-A.
Other names: c.-12-17034C>T (NM_001387217.1, NM_001387215.1, NM_001387216.1); c.277-17034C>T (NM_001387214.1, NM_015307.2); short protein forms P65L.
Identifiers: ClinVar variation 1426978 (VCV001426978.4), dbSNP rs776727229, ClinGen allele CA7446209.
Genomic context (GRCh38, chr15:29,269,512, plus strand): 5'-AGCTGCTTCTGGCTCCTGGGCCCCACGGCGGGGGCGGCCTGGGCCCGGCGGGCGCCCTGA[G>A]GCGAGGGGCCCTGCGACCCCTGCGAGCCGCCCGGCCCGCGGGACGTGCTCGGGGCCTCCT-3'
Protein context (NP_619649.1, residues 55-75): GGSQGSQGPS[Pro65Leu]QGARRAQAAP

ClinVar aggregate classification (germline): Uncertain significance. Review status: criteria provided, multiple submitters, no conflicts (2 of 4 stars). 2 submissions from 2 submitters: Uncertain significance (2). Last evaluated 2021-12-10.

Allele frequency attached by ClinVar (database versions not stated): gnomAD exomes below 0.00001; ExAC 0.00001; gnomAD 0.00003; TOPMed 0.00004.
gnomAD v4.1: 13 of 1,595,116 alleles (0.00081%); highest among the groups gnomAD compares: African/African-American, 0.012%; no homozygotes.

Submissions (2):

Labcorp Genetics (formerly Invitae), Labcorp
Classification: Uncertain significance. Last evaluated: 2021-12-10. Review status: criteria provided, single submitter. Criteria: Invitae Variant Classification Sherloc (09022015). Collection method: clinical testing. Allele origin: germline.
Comment: This sequence change replaces proline, which is neutral and non-polar, with leucine, which is neutral and non-polar, at codon 65 of the NSMCE3 protein (p.Pro65Leu). This variant is present in population databases (rs776727229, gnomAD 0.01%). This variant has not been reported in the literature in individuals affected with NSMCE3-related conditions. Algorithms developed to predict the effect of missense changes on protein structure and function (SIFT, PolyPhen-2, Align-GVGD) all suggest that this variant is likely to be tolerated. In summary, the available evidence is currently insufficient to determine the role of this variant in disease. Therefore, it has been classified as a Variant of Uncertain Significance.

Ambry Genetics
Classification: Uncertain significance. Last evaluated: 2021-10-05. Review status: criteria provided, single submitter. Criteria: Ambry Variant Classification Scheme 2023. Collection method: clinical testing. Allele origin: germline.